The following is an entry in ClinVar:

NM_004795.4(KL):c.542G>A (p.Arg181Gln)

Gene: KL (klotho; plus strand). Cytogenetic location: 13q13.1.
Variant type: single nucleotide variant.
Coding change: c.542G>A on transcript NM_004795.4 (MANE Select); coding-DNA position 542, G replaced by A.
Protein change: p.Arg181Gln; replaces arginine 181 with glutamine.
Molecular consequence: missense variant.
Genome position (GRCh38, 1-based): chr13:33,016,982, G>A. VCF-style: chr13-33016982-G-A. GRCh37 (hg19) VCF-style: chr13-33591120-G-A.
Other names: c.542G>A (NM_004795.3); short protein forms R181Q.
Identifiers: ClinVar variation 2085978 (VCV002085978.5), dbSNP rs1410348351, ClinGen allele CA387781824.

ClinVar aggregate classification (germline): Uncertain significance. Review status: criteria provided, multiple submitters, no conflicts (2 of 4 stars). 2 submissions from 2 submitters: Uncertain significance (2). Last evaluated 2025-08-29.

Allele frequency attached by ClinVar (database versions not stated): gnomAD exomes 0.00001; TOPMed 0.00001; gnomAD 0.00002.
gnomAD v4.1: 23 of 1,595,198 alleles (0.0014%); highest among the groups gnomAD compares: Admixed American, 0.0034%; no homozygotes.

Submissions (2):

Ambry Genetics
Classification: Uncertain significance. Last evaluated: 2025-08-29. Review status: criteria provided, single submitter. Criteria: Ambry Variant Classification Scheme 2023. Collection method: clinical testing. Allele origin: germline.

Labcorp Genetics (formerly Invitae), Labcorp
Classification: Uncertain significance. Last evaluated: 2022-03-09. Review status: criteria provided, single submitter. Criteria: Invitae Variant Classification Sherloc (09022015). Collection method: clinical testing. Allele origin: germline.
Comment: This variant has not been reported in the literature in individuals affected with KL-related conditions. In summary, the available evidence is currently insufficient to determine the role of this variant in disease. Therefore, it has been classified as a Variant of Uncertain Significance. Algorithms developed to predict the effect of missense changes on protein structure and function (SIFT, PolyPhen-2, Align-GVGD) all suggest that this variant is likely to be tolerated. This variant is present in population databases (no rsID available, gnomAD 0.006%). This sequence change replaces arginine, which is basic and polar, with glutamine, which is neutral and polar, at codon 181 of the KL protein (p.Arg181Gln).